The following is an entry in ClinVar:

NM_000123.4(ERCC5):c.3486C>T (p.Leu1162=)

Genes: BIVM-ERCC5 (BIVM-ERCC5 readthrough; plus strand), ERCC5 (ERCC excision repair 5, endonuclease; plus strand). Cytogenetic location: 13q33.1.
Variant type: single nucleotide variant.
Coding change: c.3486C>T on transcript NM_000123.4 (MANE Select); coding-DNA position 3486, C replaced by T.
Protein change: p.Leu1162=; no amino-acid change (leucine 1162 retained).
Molecular consequence: synonymous variant.
Genome position (GRCh38, 1-based): chr13:102,875,828, C>T. VCF-style: chr13-102875828-C-T. GRCh37 (hg19) VCF-style: chr13-103528178-C-T.
Other names: c.4848C>T, p.Leu1616= (NM_001204425.2).
Identifiers: ClinVar variation 310942 (VCV000310942.36), dbSNP rs761650522, ClinGen allele CA7041906.

ClinVar aggregate classification (germline): Conflicting classifications of pathogenicity. Review status: criteria provided, conflicting classifications (1 of 4 stars). 6 submissions from 6 submitters: Uncertain significance (1); Likely benign (4). 1 of the submissions does not count toward it. Last evaluated 2025-12-13.

Conditions:
Hereditary cancer-predisposing syndrome. Also called: Tumor predisposition; Neoplastic Syndromes, Hereditary; Hereditary neoplastic syndrome; Hereditary Cancer Syndrome. Identifiers: Orphanet 140162, MedGen C0027672, MeSH D009386, MONDO:0015356.
BIVM-ERCC5-related disorder. Also called: BIVM-ERCC5-related condition.
Xeroderma pigmentosum, group G (XPG). Also called: XERODERMA PIGMENTOSUM VII; XP, GROUP G; Xeroderma pigmentosum type 7; ERCC5-Related Xeroderma Pigmentosum. Identifiers: MedGen C0268141, MONDO:0010216, OMIM 278780.

Allele frequency attached by ClinVar (database versions not stated): gnomAD 0.00007 and 0.00008; TOPMed 0.00007.
gnomAD v4.1: 78 of 1,613,242 alleles (0.0048%); highest among the groups gnomAD compares: Middle Eastern, 0.3%; no homozygotes.

Submissions (6):

Labcorp Genetics (formerly Invitae), Labcorp
Classification: Likely benign. Last evaluated: 2025-12-13. Review status: criteria provided, single submitter. Criteria: Invitae Variant Classification Sherloc (09022015). Collection method: clinical testing. Allele origin: germline.

CeGaT Center for Human Genetics Tuebingen
Classification: Likely benign. Last evaluated: 2024-08-01. Review status: criteria provided, single submitter. Criteria: CeGaT Center For Human Genetics Tuebingen Variant Classification Criteria Version 2. Collection method: clinical testing. Allele origin: germline. Affected: yes. Observed: 3 variant alleles.
Comment: ERCC5: BP4, BP7

Blueprint Genetics
Classification: Likely benign. Last evaluated: 2024-07-11. Review status: criteria provided, single submitter. Criteria: ACMG Guidelines, 2015. Collection method: clinical testing. Allele origin: germline.

Sema4
Classification: Likely benign for Hereditary cancer-predisposing syndrome. Last evaluated: 2021-08-26. Review status: criteria provided, single submitter. Criteria: Sema4 Curation Guidelines. Collection method: curation. Allele origin: germline.

Illumina Laboratory Services, Illumina
Classification: Uncertain significance for Xeroderma pigmentosum, group G. Last evaluated: 2018-01-13. Review status: criteria provided, single submitter. Criteria: ICSL Variant Classification Criteria 13 December 2019. Collection method: clinical testing. Allele origin: germline.

PreventionGenetics, part of Exact Sciences
Classification: Likely benign for BIVM-ERCC5-related condition. Last evaluated: 2019-04-29. Review status: no assertion criteria provided. Collection method: clinical testing. Allele origin: germline. Not counted in ClinVar's aggregate classification.
Comment: This variant is classified as likely benign based on ACMG/AMP sequence variant interpretation guidelines (Richards et al. 2015 PMID: 25741868, with internal and published modifications).